The following is an entry in ClinVar:

NM_000540.3(RYR1):c.6722G>A (p.Arg2241Gln)

Gene: RYR1 (ryanodine receptor 1; plus strand). Cytogenetic location: 19q13.2.
Variant type: single nucleotide variant.
Coding change: c.6722G>A on transcript NM_000540.3 (MANE Select); coding-DNA position 6722, G replaced by A.
Protein change: p.Arg2241Gln; replaces arginine 2241 with glutamine.
Molecular consequence: missense variant.
Genome position (GRCh38, 1-based): chr19:38,496,467, G>A. VCF-style: chr19-38496467-G-A. GRCh37 (hg19) VCF-style: chr19-38987107-G-A.
Other names: c.6722G>A, p.Arg2241Gln (NM_001042723.2); short protein forms R2241Q.
Identifiers: ClinVar variation 3069741 (VCV003069741.2), dbSNP rs773947484, ClinGen allele CA068594.

ClinVar aggregate classification (germline): Uncertain significance. Review status: criteria provided, multiple submitters, no conflicts (2 of 4 stars). 2 submissions from 2 submitters: Uncertain significance (2). Last evaluated 2026-07-14.

Conditions:
Malignant hyperthermia, susceptibility to, 1 (MHS1). Also called: Anesthesia related hyperthermia; Malignant hyperpyrexia; Fulminating hyperpyrexia; Pharmacogenic myopathy; RYR1-Related Malignant Hyperthermia Susceptibility; Malignant hyperthermia suceptibility 1. Identifiers: Orphanet 423, MedGen C2930980, MONDO:0007783, OMIM 145600.
Inborn genetic diseases. Identifiers: MedGen C0950123, MeSH D030342.

Allele frequency attached by ClinVar (database versions not stated): TOPMed 0.00001.
gnomAD v4.1: 7 of 1,613,688 alleles (0.00043%); highest among the groups gnomAD compares: South Asian, 0.0044%; no homozygotes.

Submissions (2):

Ambry Genetics
Classification: Uncertain significance for Inborn genetic diseases. Last evaluated: 2026-07-14. Review status: criteria provided, single submitter. Criteria: Ambry Variant Classification Scheme 2023. Collection method: clinical testing. Allele origin: germline.

All of Us Research Program, National Institutes of Health
Classification: Uncertain significance for Malignant hyperthermia, susceptibility to, 1. Last evaluated: 2023-03-04. Review status: criteria provided, single submitter. Criteria: ACMG Guidelines, 2015. Collection method: clinical testing. Allele origin: germline. Inheritance: Autosomal dominant inheritance. Observed: 1 variant allele, 1 heterozygote.
Comment: This study involves interpretation of variants in research participants for the purpose of population health screening. Participant phenotype was not available at the time of variant classification. Additional details can be found in publication PMID: 35346344, PMCID: PMC8962531